The following is an entry in ClinVar:

NM_152617.4(RNF168):c.1219A>G (p.Arg407Gly)

Gene: RNF168 (ring finger protein 168; minus strand). Cytogenetic location: 3q29.
Variant type: single nucleotide variant.
Coding change: c.1219A>G on transcript NM_152617.4 (MANE Select); coding-DNA position 1219, A replaced by G.
Protein change: p.Arg407Gly; replaces arginine 407 with glycine.
Molecular consequence: missense variant.
Genome position (GRCh38, 1-based): chr3:196,472,316, T>C on the plus strand (A>G on the coding strand, the complement: RNF168 is on the minus strand). VCF-style: chr3-196472316-T-C. GRCh37 (hg19) VCF-style: chr3-196199187-T-C.
Other names: c.1219A>G (NM_152617.3); short protein forms R407G.
Identifiers: ClinVar variation 1368328 (VCV001368328.9), dbSNP rs143276162, ClinGen allele CA2780701.
Genomic context (GRCh38, chr3:196,472,316, plus strand): 5'-GGGTAAAGTTTATTTCTGTTTCCTCTTGATCTGGGGAAGATTCGGGGGACACTTTTCTTC[T>C]TTTTGCAGAAAAGCATGGATCCTTGACTGCTTCAAAGGAAGATTCTTGGTTTTTTCTTTT-3'
Protein context (NP_689830.2, residues 397-417): AVKDPCFSAK[Arg407Gly]RKVSPESSPD

ClinVar aggregate classification (germline): Uncertain significance. Review status: criteria provided, multiple submitters, no conflicts (2 of 4 stars). 2 submissions from 2 submitters: Uncertain significance (2). Last evaluated 2023-12-15.

Conditions:
Inborn genetic diseases. Identifiers: MedGen C0950123, MeSH D030342.

Allele frequency attached by ClinVar (database versions not stated): gnomAD exomes below 0.00001; TOPMed below 0.00001; ExAC 0.00002; gnomAD 0.00002; ESP Exome Variant Server 0.00008.
gnomAD v4.1: 4 of 1,613,894 alleles (0.00025%); highest among the groups gnomAD compares: African/African-American, 0.0013%; no homozygotes.

Submissions (2):

Labcorp Genetics (formerly Invitae), Labcorp
Classification: Uncertain significance. Last evaluated: 2023-12-15. Review status: criteria provided, single submitter. Criteria: Invitae Variant Classification Sherloc (09022015). Collection method: clinical testing. Allele origin: germline.
Comment: This sequence change replaces arginine, which is basic and polar, with glycine, which is neutral and non-polar, at codon 407 of the RNF168 protein (p.Arg407Gly). This variant is present in population databases (rs143276162, gnomAD 0.004%). This variant has not been reported in the literature in individuals affected with RNF168-related conditions. ClinVar contains an entry for this variant (Variation ID: 1368328). An algorithm developed to predict the effect of missense changes on protein structure and function (PolyPhen-2) suggests that this variant is likely to be disruptive. In summary, the available evidence is currently insufficient to determine the role of this variant in disease. Therefore, it has been classified as a Variant of Uncertain Significance.

Ambry Genetics
Classification: Uncertain significance for Inborn genetic diseases. Last evaluated: 2021-06-18. Review status: criteria provided, single submitter. Criteria: Ambry Variant Classification Scheme 2023. Collection method: clinical testing. Allele origin: germline.